The following is an entry in ClinVar:

NM_001079872.2(CUL4B):c.1742-5C>T

Gene: CUL4B (cullin 4B; minus strand). Cytogenetic location: Xq24.
Variant type: single nucleotide variant.
Coding change: c.1742-5C>T on transcript NM_001079872.2 (MANE Select); 5 bases into the intron before coding-DNA position 1742, C replaced by T.
Molecular consequence: intron variant.
Genome position (GRCh38, 1-based): chrX:120,538,775, G>A on the plus strand (C>T on the coding strand, the complement: CUL4B is on the minus strand). VCF-style: chrX-120538775-G-A. GRCh37 (hg19) VCF-style: chrX-119672630-G-A.
Other names: c.1796-5C>T (NM_003588.4); c.1757-5C>T (NM_001330624.2); c.1208-5C>T (NM_001369145.1).
Identifiers: ClinVar variation 387403 (VCV000387403.3), dbSNP rs755331312, ClinGen allele CA10505495.

ClinVar aggregate classification (germline): Benign/Likely benign. Review status: criteria provided, multiple submitters, no conflicts (2 of 4 stars). 3 submissions from 3 submitters: Benign (1); Likely benign (1). 1 of the submissions does not count toward it. Last evaluated 2025-05-27.

Conditions:
X-linked intellectual disability Cabezas type (MRXSC). Also called: MENTAL RETARDATION, X-LINKED, SYNDROMIC 15; CABEZAS SYNDROME; Intellectual developmental disorder, X-linked syndromic, Cabezas type. Identifiers: Orphanet 85289, Orphanet 85293, MedGen C1845861, MONDO:0010306, OMIM 300354.
CUL4B-related disorder. Also called: CUL4B-related condition.

Allele frequency attached by ClinVar (database versions not stated): gnomAD exomes 0.00002 and 0.00001; ExAC 0.00002; gnomAD 0.00005; TOPMed 0.00009.
gnomAD v4.1: 12 of 1,152,537 alleles (0.001%); highest among the groups gnomAD compares: African/African-American, 0.02%; no homozygotes.

Submissions (3):

Labcorp Genetics (formerly Invitae), Labcorp
Classification: Benign for X-linked intellectual disability Cabezas type. Last evaluated: 2025-05-27. Review status: criteria provided, single submitter. Criteria: Invitae Variant Classification Sherloc (09022015). Collection method: clinical testing. Allele origin: germline.

GeneDx
Classification: Likely benign. Last evaluated: 2016-06-29. Review status: criteria provided, single submitter. Criteria: GeneDx Variant Classification (06012015). Collection method: clinical testing. Allele origin: germline. Affected: yes.
Comment: This variant is considered likely benign or benign based on one or more of the following criteria: it is a conservative change, it occurs at a poorly conserved position in the protein, it is predicted to be benign by multiple in silico algorithms, and/or has population frequency not consistent with disease.

PreventionGenetics, part of Exact Sciences
Classification: Likely benign for CUL4B-related condition. Last evaluated: 2022-06-06. Review status: no assertion criteria provided. Collection method: clinical testing. Allele origin: germline. Not counted in ClinVar's aggregate classification.
Comment: This variant is classified as likely benign based on ACMG/AMP sequence variant interpretation guidelines (Richards et al. 2015 PMID: 25741868, with internal and published modifications).